The following is an entry in ClinVar:

NM_002234.4(KCNA5):c.64G>A (p.Ala22Thr)

Gene: KCNA5 (potassium voltage-gated channel subfamily A member 5; plus strand). Cytogenetic location: 12p13.32.
Variant type: single nucleotide variant.
Coding change: c.64G>A on transcript NM_002234.4 (MANE Select); coding-DNA position 64, G replaced by A.
Protein change: p.Ala22Thr; replaces alanine 22 with threonine.
Molecular consequence: missense variant.
Genome position (GRCh38, 1-based): chr12:5,044,211, G>A. VCF-style: chr12-5044211-G-A. GRCh37 (hg19) VCF-style: chr12-5153377-G-A.
Other names: short protein forms A22T.
Identifiers: ClinVar variation 1953859 (VCV001953859.5), dbSNP rs1172738384, ClinGen allele CA383461825.

ClinVar aggregate classification (germline): Uncertain significance (1 of 4 stars; one submission).

Conditions:
Atrial fibrillation, familial, 7 (ATFB7). Identifiers: MedGen C2677106, MONDO:0012828, OMIM 612240.

Allele frequency attached by ClinVar (database versions not stated): gnomAD 0.00001; TOPMed 0.00002.

Submission:

Labcorp Genetics (formerly Invitae), Labcorp
Classification: Uncertain significance for Atrial fibrillation, familial, 7. Last evaluated: 2024-08-13. Review status: criteria provided, single submitter. Criteria: Invitae Variant Classification Sherloc (09022015). Collection method: clinical testing. Allele origin: germline.
Comment: This sequence change replaces alanine, which is neutral and non-polar, with threonine, which is neutral and polar, at codon 22 of the KCNA5 protein (p.Ala22Thr). This variant is not present in population databases (gnomAD no frequency). This variant has not been reported in the literature in individuals affected with KCNA5-related conditions. ClinVar contains an entry for this variant (Variation ID: 1953859). An algorithm developed to predict the effect of missense changes on protein structure and function outputs the following: PolyPhen-2: "Benign". The threonine amino acid residue is found in multiple mammalian species, which suggests that this missense change does not adversely affect protein function. In summary, the available evidence is currently insufficient to determine the role of this variant in disease. Therefore, it has been classified as a Variant of Uncertain Significance.